The following is an entry in ClinVar:

NM_004985.5(KRAS):c.373G>A (p.Val125Ile)

Gene: KRAS (KRAS proto-oncogene, GTPase; minus strand). Cytogenetic location: 12p12.1.
Variant type: single nucleotide variant.
Coding change: c.373G>A on transcript NM_004985.5 (MANE Select); coding-DNA position 373, G replaced by A.
Protein change: p.Val125Ile; replaces valine 125 with isoleucine.
Molecular consequence: missense variant.
Genome position (GRCh38, 1-based): chr12:25,225,691, C>T on the plus strand (G>A on the coding strand, the complement: KRAS is on the minus strand). VCF-style: chr12-25225691-C-T. GRCh37 (hg19) VCF-style: chr12-25378625-C-T.
Other names: c.373G>A, p.Val125Ile (NM_001369786.1, NM_001369787.1, NM_033360.4); short protein forms V125I.
Identifiers: ClinVar variation 2772438 (VCV002772438.3), dbSNP rs2141506073, ClinGen allele CA384151362.

ClinVar aggregate classification (germline): Uncertain significance (1 of 4 stars; one submission).

Conditions:
RASopathy. Also called: Noonan spectrum disorder; rasopathies. Identifiers: Orphanet 536391, MedGen C5555857, MONDO:0021060.

Submission:

Labcorp Genetics (formerly Invitae), Labcorp
Classification: Uncertain significance for RASopathy. Last evaluated: 2023-10-28. Review status: criteria provided, single submitter. Criteria: Invitae Variant Classification Sherloc (09022015). Collection method: clinical testing. Allele origin: germline.
Comment: This sequence change replaces valine, which is neutral and non-polar, with isoleucine, which is neutral and non-polar, at codon 125 of the KRAS protein (p.Val125Ile). This variant is not present in population databases (gnomAD no frequency). This variant has not been reported in the literature in individuals affected with KRAS-related conditions. An algorithm developed to predict the effect of missense changes on protein structure and function (PolyPhen-2) suggests that this variant is likely to be tolerated. In summary, the available evidence is currently insufficient to determine the role of this variant in disease. Therefore, it has been classified as a Variant of Uncertain Significance.